The following is an entry in ClinVar:

ClinVar aggregate classification (germline): Conflicting classifications of pathogenicity. Review status: criteria provided, conflicting classifications (1 of 4 stars). 7 submissions from 7 submitters: Uncertain significance (1); Benign (2); Likely benign (4). Last evaluated 2026-07-01.

Conditions:
Periventricular heterotopia with microcephaly, autosomal recessive (ARPHM). Also called: PERIVENTRICULAR NODULAR HETEROTOPIA 2; Periventricular heterotopia with microcephaly. Identifiers: Orphanet 2149, MedGen C1842563, MONDO:0011966, OMIM 608097.

Allele frequency attached by ClinVar (database versions not stated): 1000 Genomes Project 0.00040; 1000 Genomes Project 30x 0.00047; ExAC 0.00070; gnomAD exomes 0.00078 and 0.00148; ESP Exome Variant Server 0.00085; TOPMed 0.00091; gnomAD 0.00098.
gnomAD v4.1: 2,292 of 1,614,138 alleles (0.14%); highest among the groups gnomAD compares: Non-Finnish European, 0.17%; 5 homozygotes.

Submissions (7):

CeGaT Center for Human Genetics Tuebingen
Classification: Likely benign. Last evaluated: 2026-07-01. Review status: criteria provided, single submitter. Criteria: CeGaT Center For Human Genetics Tuebingen Variant Classification Criteria Version 2. Collection method: clinical testing. Allele origin: germline. Affected: yes. Observed: 5 variant alleles.
Comment: ARFGEF2: BP4, BP7

Labcorp Genetics (formerly Invitae), Labcorp
Classification: Benign. Last evaluated: 2025-12-31. Review status: criteria provided, single submitter. Criteria: Invitae Variant Classification Sherloc (09022015). Collection method: clinical testing. Allele origin: germline.

Blueprint Genetics
Classification: Likely benign. Last evaluated: 2024-11-25. Review status: criteria provided, single submitter. Criteria: ACMG Guidelines, 2015. Collection method: clinical testing. Allele origin: germline.

Illumina Laboratory Services, Illumina
Classification: Uncertain significance for Periventricular heterotopia with microcephaly, autosomal recessive. Last evaluated: 2018-01-13. Review status: criteria provided, single submitter. Criteria: ICSL Variant Classification Criteria 13 December 2019. Collection method: clinical testing. Allele origin: germline.

GeneDx
Classification: Benign. Last evaluated: 2015-03-03. Review status: criteria provided, single submitter. Criteria: GeneDx Variant Classification Process June 2021. Collection method: clinical testing. Allele origin: germline. Affected: yes.

Genetic Services Laboratory, University of Chicago
Classification: Likely benign for AllHighlyPenetrant. Last evaluated: 2013-11-13. Review status: criteria provided, single submitter. Criteria: ACMG Guidelines, 2007. Collection method: clinical testing. Allele origin: germline. Inheritance: Autosomal recessive inheritance.

PreventionGenetics, part of Exact Sciences
Classification: Likely benign. Review status: criteria provided, single submitter. Criteria: ACMG Guidelines, 2015. Collection method: clinical testing. Allele origin: germline.

NM_006420.3(ARFGEF2):c.1644G>A (p.Glu548=)

Gene: ARFGEF2 (ARF guanine nucleotide exchange factor 2; plus strand). Cytogenetic location: 20q13.13.
Variant type: single nucleotide variant.
Coding change: c.1644G>A on transcript NM_006420.3 (MANE Select); coding-DNA position 1644, G replaced by A.
Protein change: p.Glu548=; no amino-acid change (glutamic acid 548 retained).
Molecular consequence: synonymous variant.
Genome position (GRCh38, 1-based): chr20:48,973,263, G>A. VCF-style: chr20-48973263-G-A. GRCh37 (hg19) VCF-style: chr20-47589800-G-A.
Identifiers: ClinVar variation 128432 (VCV000128432.48), dbSNP rs147534008, ClinGen allele CA151886.